The following is an entry in ClinVar:

NM_016507.4(CDK12):c.2980C>G (p.Leu994Val)

Gene: CDK12 (cyclin dependent kinase 12; plus strand). Cytogenetic location: 17q12.
Variant type: single nucleotide variant.
Coding change: c.2980C>G on transcript NM_016507.4 (MANE Select); coding-DNA position 2980, C replaced by G.
Protein change: p.Leu994Val; replaces leucine 994 with valine.
Molecular consequence: missense variant.
Genome position (GRCh38, 1-based): chr17:39,519,972, C>G. VCF-style: chr17-39519972-C-G. GRCh37 (hg19) VCF-style: chr17-37676225-C-G.
Other names: c.2980C>G, p.Leu994Val (NM_015083.4); short protein forms L994V.
Identifiers: ClinVar variation 2306550 (VCV002306550.3), dbSNP rs1267857497, ClinGen allele CA398842205.

ClinVar aggregate classification (germline): Uncertain significance (1 of 4 stars; one submission).

Allele frequency attached by ClinVar (database versions not stated): gnomAD exomes below 0.00001; gnomAD 0.00001.
gnomAD v4.1: 3 of 1,613,902 alleles (0.00019%); highest among the groups gnomAD compares: South Asian, 0.0022%; no homozygotes.

Submission:

Ambry Genetics
Classification: Uncertain significance. Last evaluated: 2026-06-21. Review status: criteria provided, single submitter. Criteria: Ambry Variant Classification Scheme 2023. Collection method: clinical testing. Allele origin: germline.
Comment: The p.L994V variant (also known as c.2980C>G), located in coding exon 11 of the CDK12 gene, results from a C to G substitution at nucleotide position 2980. The leucine at codon 994 is replaced by valine, an amino acid with highly similar properties. This amino acid position is conserved. In addition, this alteration is predicted to be tolerated by in silico analysis. Based on the available evidence, the clinical significance of this variant remains unclear.